The following is an entry in ClinVar:

ClinVar aggregate classification (germline): Likely benign (1 of 4 stars; one submission).

Submission:

CeGaT Center for Human Genetics Tuebingen
Classification: Likely benign. Last evaluated: 2023-05-01. Review status: criteria provided, single submitter. Criteria: CeGaT Center For Human Genetics Tuebingen Variant Classification Criteria Version 2. Collection method: clinical testing. Allele origin: germline. Affected: yes. Observed: 1 variant allele.
Comment: COG1: PM2:Supporting, BP4, BP7

NM_018714.3(COG1):c.2337A>G (p.Gln779=)

Gene: COG1 (component of oligomeric golgi complex 1; plus strand). Cytogenetic location: 17q25.1.
Variant type: single nucleotide variant.
Coding change: c.2337A>G on transcript NM_018714.3 (MANE Select); coding-DNA position 2337, A replaced by G.
Protein change: p.Gln779=; no amino-acid change (glutamine 779 retained).
Molecular consequence: synonymous variant.
Genome position (GRCh38, 1-based): chr17:73,203,748, A>G. VCF-style: chr17-73203748-A-G. GRCh37 (hg19) VCF-style: chr17-71199887-A-G.
Identifiers: ClinVar variation 2648175 (VCV002648175.24), dbSNP rs2511084919, ClinGen allele CA501718866.